The following is an entry in ClinVar:

ClinVar aggregate classification (germline): Conflicting classifications of pathogenicity. Review status: criteria provided, conflicting classifications (1 of 4 stars). 4 submissions from 4 submitters: Likely pathogenic (1); Uncertain significance (3). Last evaluated 2026-09-02.

Conditions:
Retinal dystrophy. Also called: Inherited retinal dystrophy. Identifiers: Orphanet 71862, MedGen C0854723, MeSH D058499, MONDO:0019118, HP:0000556.
CYP4V2-related disorder. Also called: CYP4V2-related disorders; CYP4V2-related condition.

Allele frequency attached by ClinVar (database versions not stated): ExAC 0.00007; TOPMed 0.00011; gnomAD exomes 0.00015; gnomAD 0.00020 and 0.00021.
gnomAD v4.1: 178 of 1,613,998 alleles (0.011%); highest among the groups gnomAD compares: Admixed American, 0.072%; no homozygotes.

Submissions (4):

PreventionGenetics, part of Exact Sciences
Classification: Uncertain significance for CYP4V2-related condition. Last evaluated: 2026-09-02. Review status: criteria provided, single submitter. Criteria: ACMG Guidelines, 2015. Collection method: clinical testing. Allele origin: germline.
Comment: The CYP4V2 c.254G>A variant is predicted to result in the amino acid substitution p.Arg85His. This variant has been reported with a second CYP4V2 variant in an individual with Bietti crystalline dystrophy (Table S2, Zhang et al. 2018. PubMed ID: 30429639). This variant has also been reported in an individual with Bietti crystalline dystrophy (Yang et al. 2025. PubMed ID: 40637993); however, additional genetic information was not provided. This variant is reported in 0.056% of alleles in individuals of Latino descent in gnomAD. Another missense variant affecting the same amino acid (p.Arg85Cys) has also been reported in individuals with Bietti crystalline dystrophy (for example, Shan et al. 2005. PubMed ID: 16179904; Sahin et al. 2024. PubMed ID: 38465142). At this time, the clinical significance of this variant is uncertain due to the absence of conclusive functional and genetic evidence.

Labcorp Genetics (formerly Invitae), Labcorp
Classification: Likely pathogenic. Last evaluated: 2025-05-19. Review status: criteria provided, single submitter. Criteria: Invitae Variant Classification Sherloc (09022015). Collection method: clinical testing. Allele origin: germline.
Comment: This sequence change replaces arginine, which is basic and polar, with histidine, which is basic and polar, at codon 85 of the CYP4V2 protein (p.Arg85His). This variant is present in population databases (rs559133074, gnomAD 0.06%). This missense change has been observed in individual(s) with Bietti crystalline dystrophy and/or crystalline retinopathy (PMID: 30429639; internal data). ClinVar contains an entry for this variant (Variation ID: 1486174). Invitae Evidence Modeling of protein sequence and biophysical properties (such as structural, functional, and spatial information, amino acid conservation, physicochemical variation, residue mobility, and thermodynamic stability) has been performed for this missense variant. However, the output from this modeling did not meet the statistical confidence thresholds required to predict the impact of this variant on CYP4V2 protein function. This variant disrupts the p.Arg85 amino acid residue in CYP4V2. Other variant(s) that disrupt this residue have been determined to be pathogenic (PMID: 16179904, 30429639). This suggests that this residue is clinically significant, and that variants that disrupt this residue are likely to be disease-causing. In summary, the currently available evidence indicates that the variant is pathogenic, but additional data are needed to prove that conclusively. Therefore, this variant has been classified as Likely Pathogenic.

Blueprint Genetics
Classification: Uncertain significance. Last evaluated: 2024-08-15. Review status: criteria provided, single submitter. Criteria: ACMG Guidelines, 2015. Collection method: clinical testing. Allele origin: germline.

Institute of Human Genetics, Univ. Regensburg, Univ. Regensburg
Classification: Uncertain significance for Retinal dystrophy. Last evaluated: 2021-01-01. Review status: criteria provided, single submitter. Criteria: ACMG Guidelines, 2015. Collection method: clinical testing. Allele origin: germline. Affected: yes.

Literature cited by the submitters: PubMed 30429639 (cited by Labcorp Genetics (formerly Invitae), Labcorp and Institute of Human Genetics, Univ. Regensburg, Univ. Regensburg); PubMed 16179904 (cited by Labcorp Genetics (formerly Invitae), Labcorp).

NM_207352.4(CYP4V2):c.254G>A (p.Arg85His)

Gene: CYP4V2 (cytochrome P450 family 4 subfamily V member 2; plus strand). Cytogenetic location: 4q35.1.
Variant type: single nucleotide variant.
Coding change: c.254G>A on transcript NM_207352.4 (MANE Select); coding-DNA position 254, G replaced by A.
Protein change: p.Arg85His; replaces arginine 85 with histidine.
Molecular consequence: missense variant.
Genome position (GRCh38, 1-based): chr4:186,194,539, G>A. VCF-style: chr4-186194539-G-A. GRCh37 (hg19) VCF-style: chr4-187115693-G-A.
Other names: c.254G>A (NM_207352.3); short protein forms R85H.
Identifiers: ClinVar variation 1486174 (VCV001486174.9), dbSNP rs559133074, ClinGen allele CA3162481.
Genomic context (GRCh38, chr4:186,194,539, plus strand): 5'-AAATTTGATGTTTTTCCCCAGAATTTTTTCAGCAGATCATTGAGTACACAGAGGAATACC[G>A]CCACATGCCGCTGCTGAAGCTCTGGGTCGGGCCAGTGCCCATGGTGGCCCTTTATAATGC-3'
Protein context (NP_997235.3, residues 75-95): QQIIEYTEEY[Arg85His]HMPLLKLWVG